The following is an entry in ClinVar:

NM_002878.4(RAD51D):c.263+1521G>A

Genes: RAD51D (RAD51 paralog D; minus strand), RAD51L3-RFFL (RAD51L3-RFFL readthrough; minus strand). Cytogenetic location: 17q12.
Variant type: single nucleotide variant.
Coding change: c.263+1521G>A on transcript NM_002878.4 (MANE Select); 1521 bases into the intron after coding-DNA position 263, G replaced by A.
Molecular consequence: intron variant. On other transcripts: missense variant (1).
Genome position (GRCh38, 1-based): chr17:35,116,980, C>T on the plus strand (G>A on the coding strand, the complement: RAD51D is on the minus strand). VCF-style: chr17-35116980-C-T. GRCh37 (hg19) VCF-style: chr17-33443999-C-T.
Other names: c.202G>A, p.Ala68Thr (NM_001142571.2); c.144+2131G>A (NM_133629.3); short protein forms A68T.
Identifiers: ClinVar variation 3581848 (VCV003581848.7).

ClinVar aggregate classification (germline): Conflicting classifications of pathogenicity. Review status: criteria provided, conflicting classifications (1 of 4 stars). 2 submissions from 2 submitters: Uncertain significance (1); Likely benign (1). Last evaluated 2025-11-01.

Conditions:
Breast-ovarian cancer, familial, susceptibility to, 4. Identifiers: Orphanet 145, MedGen C3280345, MONDO:0013669, OMIM 614291.

gnomAD v4.1: 23 of 1,613,812 alleles (0.0014%); highest among the groups gnomAD compares: Middle Eastern, 0.016%; no homozygotes.

Submissions (2):

CeGaT Center for Human Genetics Tuebingen
Classification: Likely benign. Last evaluated: 2025-11-01. Review status: criteria provided, single submitter. Criteria: CeGaT Center For Human Genetics Tuebingen Variant Classification Criteria Version 2. Collection method: clinical testing. Allele origin: germline. Affected: yes. Observed: 1 variant allele.
Comment: RAD51D: BP4, BS1

Fulgent Genetics
Classification: Uncertain significance for Breast-ovarian cancer, familial, susceptibility to, 4. Last evaluated: 2024-03-13. Review status: criteria provided, single submitter. Criteria: ACMG Guidelines, 2015. Collection method: clinical testing. Allele origin: germline.